The following is an entry in ClinVar:

NM_016011.5(MECR):c.319G>A (p.Glu107Lys)

Gene: MECR (mitochondrial trans-2-enoyl-CoA reductase; minus strand). Cytogenetic location: 1p35.3.
Variant type: single nucleotide variant.
Coding change: c.319G>A on transcript NM_016011.5 (MANE Select); coding-DNA position 319, G replaced by A.
Protein change: p.Glu107Lys; replaces glutamic acid 107 with lysine.
Molecular consequence: missense variant. On other transcripts: non-coding transcript variant (4).
Genome position (GRCh38, 1-based): chr1:29,216,092, C>T on the plus strand (G>A on the coding strand, the complement: MECR is on the minus strand). VCF-style: chr1-29216092-C-T. GRCh37 (hg19) VCF-style: chr1-29542604-C-T.
Other names: c.91G>A, p.Glu31Lys (NM_001024732.4, NM_001349711.2, NM_001349712.2 and 2 more transcripts); c.424G>A, p.Glu142Lys (NM_001349715.2); c.403G>A, p.Glu135Lys (NM_001349716.2); c.169G>A, p.Glu57Lys (NM_001349717.2); short protein forms E135K, E31K, E142K, E107K, E57K.
Identifiers: ClinVar variation 1927851 (VCV001927851.3), dbSNP rs765731318, ClinGen allele CA725832.

ClinVar aggregate classification (germline): Uncertain significance. Review status: criteria provided, multiple submitters, no conflicts (2 of 4 stars). 2 submissions from 2 submitters: Uncertain significance (2). Last evaluated 2022-04-08.

Allele frequency attached by ClinVar (database versions not stated): ExAC 0.00002.
gnomAD v4.1: 34 of 1,613,912 alleles (0.0021%); highest among the groups gnomAD compares: Admixed American, 0.005%; no homozygotes.

Submissions (2):

Labcorp Genetics (formerly Invitae), Labcorp
Classification: Uncertain significance. Last evaluated: 2022-04-08. Review status: criteria provided, single submitter. Criteria: Invitae Variant Classification Sherloc (09022015). Collection method: clinical testing. Allele origin: germline.
Comment: This sequence change replaces glutamic acid, which is acidic and polar, with lysine, which is basic and polar, at codon 107 of the MECR protein (p.Glu107Lys). This variant is present in population databases (rs765731318, gnomAD 0.008%). This variant has not been reported in the literature in individuals affected with MECR-related conditions. Algorithms developed to predict the effect of missense changes on protein structure and function (SIFT, PolyPhen-2, Align-GVGD) all suggest that this variant is likely to be disruptive. In summary, the available evidence is currently insufficient to determine the role of this variant in disease. Therefore, it has been classified as a Variant of Uncertain Significance.

Blueprint Genetics
Classification: Uncertain significance. Last evaluated: 2020-12-18. Review status: criteria provided, single submitter. Criteria: ACMG Guidelines, 2015. Collection method: clinical testing. Allele origin: germline.